The following is an entry in ClinVar:

ClinVar aggregate classification (germline): Uncertain significance (1 of 4 stars; one submission).

Conditions:
Cardiovascular phenotype. Identifiers: MedGen CN230736.

gnomAD v4.1: 1 of 1,614,142 alleles (0.000062%); highest among the groups gnomAD compares: Non-Finnish European, 0.000085%; no homozygotes.

Submission:

Ambry Genetics
Classification: Uncertain significance for Cardiovascular phenotype. Last evaluated: 2025-04-12. Review status: criteria provided, single submitter. Criteria: Ambry Variant Classification Scheme 2023. Collection method: clinical testing. Allele origin: germline.
Comment: The p.K1982E variant (also known as c.5944A>G), located in coding exon 26 of the APOB gene, results from an A to G substitution at nucleotide position 5944. The lysine at codon 1982 is replaced by glutamic acid, an amino acid with similar properties. This amino acid position is conserved. In addition, this alteration is predicted to be tolerated by in silico analysis. Based on the available evidence, the clinical significance of this variant remains unclear.

NM_000384.3(APOB):c.5944A>G (p.Lys1982Glu)

Gene: APOB (apolipoprotein B; minus strand). Cytogenetic location: 2p24.1.
Variant type: single nucleotide variant.
Coding change: c.5944A>G on transcript NM_000384.3 (MANE Select); coding-DNA position 5944, A replaced by G.
Protein change: p.Lys1982Glu; replaces lysine 1982 with glutamic acid.
Molecular consequence: missense variant.
Genome position (GRCh38, 1-based): chr2:21,010,924, T>C on the plus strand (A>G on the coding strand, the complement: APOB is on the minus strand). VCF-style: chr2-21010924-T-C. GRCh37 (hg19) VCF-style: chr2-21233796-T-C.
Other names: short protein forms K1982E.
Identifiers: ClinVar variation 3932783 (VCV003932783.1).
Genomic context (GRCh38, chr2:21,010,924, plus strand): 5'-TAGTGTTGTAAGCATCCAAGTCCTGGCTGTATTCATTGTTGTTAAATTGGGTCTTGAGTT[T>C]CCAGGTGCCTGTCTGCTCAGCTGGAGTAAGCAGGGCACTGACTTTGTGTTCAAGAGCTGC-3'
Protein context (NP_000375.3, residues 1972-1992): LTPAEQTGTW[Lys1982Glu]LKTQFNNNEY